The following is an entry in ClinVar:

ClinVar aggregate classification (germline): Conflicting classifications of pathogenicity. Review status: criteria provided, conflicting classifications (1 of 4 stars). 8 submissions from 8 submitters: Uncertain significance (1); Benign (1); Likely benign (3). 3 of the submissions do not count toward it. Last evaluated 2026-02-01.

Conditions:
ERMARD-related disorder. Also called: ERMARD-related condition.

Allele frequency attached by ClinVar (database versions not stated): 1000 Genomes Project 0.00160; 1000 Genomes Project 30x 0.00172; ExAC 0.00234; gnomAD exomes 0.00268; gnomAD 0.00271 and 0.00282; TOPMed 0.00277; ESP Exome Variant Server 0.00338.

Submissions (8):

CeGaT Center for Human Genetics Tuebingen
Classification: Likely benign. Last evaluated: 2026-02-01. Review status: criteria provided, single submitter. Criteria: CeGaT Center For Human Genetics Tuebingen Variant Classification Criteria Version 2. Collection method: clinical testing. Allele origin: germline. Affected: yes. Observed: 7 variant alleles.
Comment: ERMARD: BP4, BS2

Labcorp Genetics (formerly Invitae), Labcorp
Classification: Likely benign. Last evaluated: 2026-01-14. Review status: criteria provided, single submitter. Criteria: Invitae Variant Classification Sherloc (09022015). Collection method: clinical testing. Allele origin: germline.

Blueprint Genetics
Classification: Likely benign. Last evaluated: 2024-11-17. Review status: criteria provided, single submitter. Criteria: ACMG Guidelines, 2015. Collection method: clinical testing. Allele origin: germline.

GeneDx
Classification: Benign. Last evaluated: 2018-02-22. Review status: criteria provided, single submitter. Criteria: GeneDx Variant Classification (06012015). Collection method: clinical testing. Allele origin: germline. Affected: yes.
Comment: This variant is considered likely benign or benign based on one or more of the following criteria: it is a conservative change, it occurs at a poorly conserved position in the protein, it is predicted to be benign by multiple in silico algorithms, and/or has population frequency not consistent with disease.

Center for Pediatric Genomic Medicine, Children's Mercy Hospital and Clinics
Classification: Uncertain significance. Last evaluated: 2016-06-16. Review status: criteria provided, single submitter. Criteria: ACMG Guidelines, 2015. Collection method: clinical testing. Allele origin: germline.
ClinVar note: Converted during submission from Uncertain Significance to Uncertain significance.

PreventionGenetics, part of Exact Sciences
Classification: Benign for ERMARD-related condition. Last evaluated: 2019-08-07. Review status: no assertion criteria provided. Collection method: clinical testing. Allele origin: germline. Not counted in ClinVar's aggregate classification.
Comment: This variant is classified as benign based on ACMG/AMP sequence variant interpretation guidelines (Richards et al. 2015 PMID: 25741868, with internal and published modifications).

Clinical Genetics DNA and cytogenetics Diagnostics Lab, Erasmus MC, Erasmus Medical Center
Classification: Likely benign. Review status: no assertion criteria provided. Collection method: clinical testing. Allele origin: germline. Affected: yes. Study: VKGL Data-share Consensus. Not counted in ClinVar's aggregate classification.

Laboratory of Diagnostic Genome Analysis, Leiden University Medical Center (LUMC)
Classification: Likely benign. Review status: no assertion criteria provided. Collection method: clinical testing. Allele origin: germline. Affected: yes. Study: VKGL Data-share Consensus. Not counted in ClinVar's aggregate classification.

NM_018341.3(ERMARD):c.1162A>G (p.Asn388Asp)

Gene: ERMARD (ER membrane associated RNA degradation; plus strand). Cytogenetic location: 6q27.
Variant type: single nucleotide variant.
Coding change: c.1162A>G on transcript NM_018341.3 (MANE Select); coding-DNA position 1162, A replaced by G.
Protein change: p.Asn388Asp; replaces asparagine 388 with aspartic acid.
Molecular consequence: missense variant.
Genome position (GRCh38, 1-based): chr6:169,769,642, A>G. VCF-style: chr6-169769642-A-G. GRCh37 (hg19) VCF-style: chr6-170169738-A-G.
Other names: c.1162A>G, p.Asn388Asp (NM_001278531.2, NM_001278533.2); c.784A>G, p.Asn262Asp (NM_001278532.2); short protein forms N388D, N262D.
Identifiers: ClinVar variation 377111 (VCV000377111.43), dbSNP rs151283330, ClinGen allele CA4106145.
Genomic context (GRCh38, chr6:169,769,642, plus strand): 5'-ATAAGAGATCATTTAAGCCACGGGGAGATCAACTTACATGAATTTTCAAAAGAAACAACT[A>G]ATCAGTTGCTTGCATTTTCTCTTGTACTGCTACTCAGATTCGTTGATGACTGTCTGCTAT-3'
Protein context (NP_060811.1, residues 378-398): NLHEFSKETT[Asn388Asp]QLLAFSLVLL